The following is an entry in ClinVar:

ClinVar aggregate classification (germline): Uncertain significance (1 of 4 stars; one submission).

Conditions:
Cornelia de Lange syndrome 4 (CDLS4). Also called: RAD21-Related Cornelia de Lange Syndrome; CORNELIA DE LANGE SYNDROME 4 WITH OR WITHOUT MIDLINE BRAIN DEFECTS. Identifiers: Orphanet 199, MedGen C3553517, MONDO:0013864, OMIM 614701.

Submission:

Labcorp Genetics (formerly Invitae), Labcorp
Classification: Uncertain significance for Cornelia de Lange syndrome 4. Last evaluated: 2024-11-02. Review status: criteria provided, single submitter. Criteria: Invitae Variant Classification Sherloc (09022015). Collection method: clinical testing. Allele origin: germline.
Comment: This sequence change replaces proline, which is neutral and non-polar, with serine, which is neutral and polar, at codon 473 of the RAD21 protein (p.Pro473Ser). This variant is not present in population databases (gnomAD no frequency). This variant has not been reported in the literature in individuals affected with RAD21-related conditions. Invitae Evidence Modeling of protein sequence and biophysical properties (such as structural, functional, and spatial information, amino acid conservation, physicochemical variation, residue mobility, and thermodynamic stability) indicates that this missense variant is not expected to disrupt RAD21 protein function with a negative predictive value of 95%. In summary, the available evidence is currently insufficient to determine the role of this variant in disease. Therefore, it has been classified as a Variant of Uncertain Significance.

NM_006265.3(RAD21):c.1417C>T (p.Pro473Ser)

Gene: RAD21 (RAD21 cohesin complex component; minus strand). Cytogenetic location: 8q24.11.
Variant type: single nucleotide variant.
Coding change: c.1417C>T on transcript NM_006265.3 (MANE Select); coding-DNA position 1417, C replaced by T.
Protein change: p.Pro473Ser; replaces proline 473 with serine.
Molecular consequence: missense variant.
Genome position (GRCh38, 1-based): chr8:116,852,001, G>A on the plus strand (C>T on the coding strand, the complement: RAD21 is on the minus strand). VCF-style: chr8-116852001-G-A. GRCh37 (hg19) VCF-style: chr8-117864240-G-A.
Other names: short protein forms P473S.
Identifiers: ClinVar variation 3685611 (VCV003685611.2).